The following is an entry in ClinVar:

NM_001197104.2(KMT2A):c.9768_9769del (p.Leu3257fs)

Gene: KMT2A (lysine methyltransferase 2A; plus strand). Cytogenetic location: 11q23.3.
Variant type: Deletion.
Coding change: c.9768_9769del on transcript NM_001197104.2 (MANE Select); coding-DNA positions 9768 to 9769, 2 bases deleted (AT; older notation c.9768_9769delAT).
Protein change: p.Leu3257fs; shifts the reading frame from leucine 3257.
Molecular consequence: frameshift variant.
Genome position (GRCh38, 1-based): chr11:118,505,660-118,505,661, AT deleted. VCF-style (leftmost placement, unchanged base first): chr11-118505659-CAT-C. GRCh37 (hg19) VCF-style: chr11-118376374-CAT-C.
Other names: c.9759_9760del, p.Leu3254fs (NM_005933.4); short protein forms L3254fs, L3257fs.
Identifiers: ClinVar variation 817751 (VCV000817751.1), dbSNP rs1591285326, ClinGen allele CA915947763.

ClinVar aggregate classification (germline): Pathogenic (1 of 4 stars; one submission).

Submission:

GeneDx
Classification: Pathogenic. Last evaluated: 2018-07-25. Review status: criteria provided, single submitter. Criteria: GeneDx Variant Classification (06012015). Collection method: clinical testing. Allele origin: germline. Affected: yes.
Comment: The c.9768_9769delAT variant in the KMT2A gene has not been reported previously as a pathogenic variant nor as a benign variant, to our knowledge. The c.9768_9769delAT variant causes a frameshift starting with codon Leucine 3257, changes this amino acid to an Aspartic Acid residue, and creates a premature Stop codon at position 2 of the new reading frame, denoted p.Leu3257AspfsX2. This variant is predicted to cause loss of normal protein function either through protein truncation or nonsense-mediated mRNA decay. The c.9768_9769delAT variant is not observed in large population cohorts (Lek et al., 2016).